The following is an entry in ClinVar:

ClinVar aggregate classification (germline): Pathogenic. Review status: criteria provided, single submitter (1 of 4 stars). 2 submissions from 2 submitters: Pathogenic (1). 1 of the submissions does not count toward it. Last evaluated 2025-02-12.

Conditions:
Early-infantile DEE. Also called: Early infantile epileptic encephalopathy; Ohtahara syndrome; Early infantile epileptic encephalopathy with suppression bursts. Identifiers: Orphanet 1934, MedGen C0393706, MONDO:0800491.
Developmental and epileptic encephalopathy, 24 (DEE24). Also called: Epileptic encephalopathy, early infantile, 24. Identifiers: Orphanet 442835, MedGen C4014531, MONDO:0014377, OMIM 615871.

Submissions (2):

Labcorp Genetics (formerly Invitae), Labcorp
Classification: Pathogenic for Early-infantile DEE. Last evaluated: 2025-02-12. Review status: criteria provided, single submitter. Criteria: Invitae Variant Classification Sherloc (09022015). Collection method: clinical testing. Allele origin: germline.
Comment: This sequence change replaces arginine, which is basic and polar, with threonine, which is neutral and polar, at codon 297 of the HCN1 protein (p.Arg297Thr). This variant is not present in population databases (gnomAD no frequency). This missense change has been observed in individual(s) with early infantile epileptic encephalopathy (PMID: 24747641). In at least one individual the variant was observed to be de novo. ClinVar contains an entry for this variant (Variation ID: 139574). Invitae Evidence Modeling of protein sequence and biophysical properties (such as structural, functional, and spatial information, amino acid conservation, physicochemical variation, residue mobility, and thermodynamic stability) has been performed for this missense variant. However, the output from this modeling did not meet the statistical confidence thresholds required to predict the impact of this variant on HCN1 protein function. Experimental studies have shown that this missense change affects HCN1 function (PMID: 24747641, 34310985). For these reasons, this variant has been classified as Pathogenic.

OMIM
Classification: Pathogenic for DEVELOPMENTAL AND EPILEPTIC ENCEPHALOPATHY 24. Last evaluated: 2014-06-01. Review status: no assertion criteria provided. Collection method: literature only. Allele origin: germline. Not counted in ClinVar's aggregate classification.

Literature cited by the submitters: PubMed 24747641 (cited by Labcorp Genetics (formerly Invitae), Labcorp and OMIM); PubMed 34310985 (cited by Labcorp Genetics (formerly Invitae), Labcorp).

NM_021072.4(HCN1):c.890G>C (p.Arg297Thr)

Gene: HCN1 (hyperpolarization activated cyclic nucleotide gated potassium channel 1; minus strand). Cytogenetic location: 5p12.
Variant type: single nucleotide variant.
Coding change: c.890G>C on transcript NM_021072.4 (MANE Select); coding-DNA position 890, G replaced by C.
Protein change: p.Arg297Thr; replaces arginine 297 with threonine.
Molecular consequence: missense variant.
Genome position (GRCh38, 1-based): chr5:45,461,967, C>G on the plus strand (G>C on the coding strand, the complement: HCN1 is on the minus strand). VCF-style: chr5-45461967-C-G. GRCh37 (hg19) VCF-style: chr5-45462069-C-G.
Other names: short protein forms R297T.
Identifiers: ClinVar variation 139574 (VCV000139574.3), dbSNP rs587777494, ClinGen allele CA163274.